The following is an entry in ClinVar:

NM_024675.4(PALB2):c.3395_3402dup (p.Gly1135Ter)

Gene: PALB2 (partner and localizer of BRCA2; minus strand). Cytogenetic location: 16p12.2.
Variant type: Duplication.
Coding change: c.3395_3402dup on transcript NM_024675.4 (MANE Select); coding-DNA positions 3395 to 3402, 8 bases duplicated (TGACTTCT; older notation c.3395_3402dupTGACTTCT).
Protein change: p.Gly1135Ter; replaces glycine 1135 with a stop codon.
Molecular consequence: nonsense. On other transcripts: 3 prime UTR variant (5).
Genome position (GRCh38, 1-based): chr16:23,603,618-23,603,625, AGAAGTCA duplicated on the plus strand (TGACTTCT on the coding strand, the reverse complement: PALB2 is on the minus strand); duplicating any 8 consecutive bases within chr16:23,603,618-23,603,628 gives the same sequence; the c. name uses the placement nearest the transcript's 3' end. VCF-style (leftmost placement, unchanged base first): chr16-23603617-C-CAGAAGTCA. GRCh37 (hg19) VCF-style: chr16-23614938-C-CAGAAGTCA.
Other names: c.3335_3342dup, p.Gly1115Ter (NM_001407296.1); c.3323_3330dup, p.Gly1111Ter (NM_001407297.1); c.3233_3240dup, p.Gly1081Ter (NM_001407298.1); c.3158_3165dup, p.Gly1056Ter (NM_001407299.1); c.3116_3123dup, p.Gly1042Ter (NM_001407300.1); c.*30_*37dup (NM_001407301.1, NM_001407302.1, NM_001407310.1 and 2 more transcripts); c.2510_2517dup, p.Gly840Ter (NM_001407304.1, NM_001407305.1, NM_001407306.1); c.2348_2355dup, p.Gly786Ter (NM_001407307.1); and 3 more; short protein forms G1042*, G1056*, G1081*, G1111*, G1115*, G1135*, G313*, G539*.
Identifiers: ClinVar variation 2673852 (VCV002673852.1), dbSNP rs2506197342, ClinGen allele CA2695197571.

ClinVar aggregate classification (germline): Pathogenic (1 of 4 stars; one submission).

Conditions:
Familial cancer of breast. Also called: Hereditary breast cancer; BREAST CANCER, FAMILIAL; hereditary breast carcinoma. Identifiers: Orphanet 227535, MedGen C0346153, MONDO:0016419, OMIM 114480. Disease mechanism: loss of function.

Submission:

Myriad Genetics, Inc.
Classification: Pathogenic for Familial cancer of breast. Last evaluated: 2023-09-15. Review status: criteria provided, single submitter. Criteria: Myriad Autosomal Dominant, Autosomal Recessive and X-Linked Classification Criteria (2023). Collection method: clinical testing. Allele origin: unknown.
Comment: This variant is considered pathogenic. This variant creates a termination codon and is predicted to result in premature protein truncation.